The following is an entry in ClinVar:

ClinVar aggregate classification (germline): Likely pathogenic. Review status: criteria provided, multiple submitters, no conflicts (2 of 4 stars). 4 submissions from 4 submitters: Likely pathogenic (4). Last evaluated 2026-04-01.

Conditions:
Niemann-Pick disease, type C (NPC). Identifiers: Orphanet 646, MedGen C0220756, MONDO:0018982.
Niemann-Pick disease, type C1. Also called: NEUROVISCERAL STORAGE DISEASE WITH VERTICAL SUPRANUCLEAR OPHTHALMOPLEGIA; NIEMANN-PICK DISEASE WITH CHOLESTEROL ESTERIFICATION BLOCK; NIEMANN-PICK DISEASE WITHOUT SPHINGOMYELINASE DEFICIENCY; NIEMANN-PICK DISEASE, CHRONIC NEURONOPATHIC FORM; NIEMANN-PICK DISEASE, VARIANT TYPE C1. Identifiers: Orphanet 646, MedGen C3179455, MONDO:0009757, OMIM 257220.

Submissions (4):

CeGaT Center for Human Genetics Tuebingen
Classification: Likely pathogenic. Last evaluated: 2026-04-01. Review status: criteria provided, single submitter. Criteria: CeGaT Center For Human Genetics Tuebingen Variant Classification Criteria Version 2. Collection method: clinical testing. Allele origin: germline. Affected: yes. Observed: 1 variant allele.
Comment: NPC1: PM3:Strong, PM2, PP3, PS3:Supporting

Natera, Inc.
Classification: Likely pathogenic for Niemann-Pick disease type C1. Last evaluated: 2025-03-20. Review status: criteria provided, single submitter. Criteria: Natera Variant Classification Schema (03/2026). Collection method: clinical testing. Allele origin: germline.
Comment: The c.3731T>C variant in NPC1 is a missense variant predicted to cause substitution of leucine to proline at amino acid 1244. This variant is rare in the general population with a frequency below the threshold expected for the associated phenotype(s). This variant has been observed in one or more individuals affected with the associated recessive disease, as either homozygous or compound heterozygous with a second variant (PMID: 19252935, 23433426). Computational prediction algorithms indicate this variant is likely to affect gene or protein function. Given the available evidence, this variant is classified as Likely Pathogenic.

Labcorp Genetics (formerly Invitae), Labcorp
Classification: Likely pathogenic for Niemann-Pick disease, type C1. Last evaluated: 2024-04-01. Review status: criteria provided, single submitter. Criteria: Invitae Variant Classification Sherloc (09022015). Collection method: clinical testing. Allele origin: germline.
Comment: This sequence change replaces leucine, which is neutral and non-polar, with proline, which is neutral and non-polar, at codon 1244 of the NPC1 protein (p.Leu1244Pro). This variant is not present in population databases (gnomAD no frequency). This missense change has been observed in individual(s) with Niemann-Pick disease (PMID: 23433426, 32138288). Advanced modeling of protein sequence and biophysical properties (such as structural, functional, and spatial information, amino acid conservation, physicochemical variation, residue mobility, and thermodynamic stability) performed at Invitae indicates that this missense variant is expected to disrupt NPC1 protein function with a positive predictive value of 95%. Experimental studies have shown that this missense change affects NPC1 function (PMID: 30923329). In summary, the currently available evidence indicates that the variant is pathogenic, but additional data are needed to prove that conclusively. Therefore, this variant has been classified as Likely Pathogenic.

Women's Health and Genetics/Laboratory Corporation of America, LabCorp
Classification: Likely pathogenic for Niemann-Pick disease, type C. Last evaluated: 2024-03-15. Review status: criteria provided, single submitter. Criteria: LabCorp Variant Classification Summary - May 2015. Collection method: clinical testing. Allele origin: germline.
Comment: Variant summary: NPC1 c.3731T>C (p.Leu1244Pro) results in a non-conservative amino acid change in the encoded protein sequence. Five of five in-silico tools predict a damaging effect of the variant on protein function. The variant was absent in 251432 control chromosomes. c.3731T>C has been reported in the literature in individuals affected with Niemann-Pick Disease Type C (di_Fruscio_2015, Stampfer_2013, Fancello_2009). These data indicate that the variant is likely to be associated with disease. To our knowledge, no experimental evidence demonstrating an impact on protein function has been reported. The following publications have been ascertained in the context of this evaluation (PMID: 26075876, 19252935, 23433426). No submitters have cited clinical-significance assessments for this variant to ClinVar. Based on the evidence outlined above, the variant was classified as likely pathogenic.

Literature cited by the submitters: PubMed 19252935 (cited by Natera, Inc. and Women's Health and Genetics/Laboratory Corporation of America, LabCorp); PubMed 23433426 (cited by 3 submitters); PubMed 32138288 (cited by Labcorp Genetics (formerly Invitae), Labcorp); PubMed 30923329 (cited by Labcorp Genetics (formerly Invitae), Labcorp); PubMed 26075876 (cited by Women's Health and Genetics/Laboratory Corporation of America, LabCorp).

NM_000271.5(NPC1):c.3731T>C (p.Leu1244Pro)

Gene: NPC1 (NPC intracellular cholesterol transporter 1; minus strand). Cytogenetic location: 18q11.2.
Variant type: single nucleotide variant.
Coding change: c.3731T>C on transcript NM_000271.5 (MANE Select); coding-DNA position 3731, T replaced by C.
Protein change: p.Leu1244Pro; replaces leucine 1244 with proline.
Molecular consequence: missense variant.
Genome position (GRCh38, 1-based): chr18:23,533,378, A>G on the plus strand (T>C on the coding strand, the complement: NPC1 is on the minus strand). VCF-style: chr18-23533378-A-G. GRCh37 (hg19) VCF-style: chr18-21113342-A-G.
Other names: c.3731T>C (NM_000271.4); short protein forms L1244P.
Identifiers: ClinVar variation 2736695 (VCV002736695.9), dbSNP rs2511176179, ClinGen allele CA401790539.